The following is an entry in ClinVar:

ClinVar aggregate classification (germline): Uncertain significance (1 of 4 stars; one submission).

Allele frequency attached by ClinVar (database versions not stated): gnomAD exomes below 0.00001.
gnomAD v4.1: 2 of 1,598,474 alleles (0.00013%); highest among the groups gnomAD compares: Non-Finnish European, 0.00017%; no homozygotes.

Submission:

CeGaT Center for Human Genetics Tuebingen
Classification: Uncertain significance. Last evaluated: 2023-10-01. Review status: criteria provided, single submitter. Criteria: CeGaT Center For Human Genetics Tuebingen Variant Classification Criteria Version 2. Collection method: clinical testing. Allele origin: germline. Affected: yes. Observed: 1 variant allele.
Comment: GNAL: PM2, BP4

NM_182978.4(GNAL):c.377-3C>T

Gene: GNAL (G protein subunit alpha L; plus strand). Cytogenetic location: 18p11.21.
Variant type: single nucleotide variant.
Coding change: c.377-3C>T on transcript NM_182978.4 (MANE Select); 3 bases into the intron before coding-DNA position 377, C replaced by T.
Molecular consequence: intron variant.
Genome position (GRCh38, 1-based): chr18:11,752,850, C>T. VCF-style: chr18-11752850-C-T. GRCh37 (hg19) VCF-style: chr18-11752849-C-T.
Other names: c.146-3C>T (NM_001261443.2, NM_001142339.3, NM_001369387.1).
Identifiers: ClinVar variation 2648591 (VCV002648591.24), dbSNP rs1216614546, ClinGen allele CA628202088.